The following is an entry in ClinVar:

ClinVar aggregate classification (germline): Uncertain significance. Review status: criteria provided, multiple submitters, no conflicts (2 of 4 stars). 3 submissions from 3 submitters: Uncertain significance (3). Last evaluated 2024-07-08.

Conditions:
Ataxia-telangiectasia syndrome (AT). Also called: ATAXIA-TELANGIECTASIA, COMPLEMENTATION GROUP A; ATAXIA-TELANGIECTASIA, FRESNO VARIANT; Ataxia-telangiectasia; Ataxia-telangiectasia, complementation group D; AT, COMPLEMENTATION GROUP C; Ataxia-telangiectasia, complementation group E. Identifiers: Orphanet 100, MedGen C0004135, MONDO:0008840, OMIM 208900.
Hereditary cancer-predisposing syndrome. Also called: Neoplastic Syndromes, Hereditary; Tumor predisposition; Hereditary Cancer Syndrome; Hereditary neoplastic syndrome. Identifiers: Orphanet 140162, MedGen C0027672, MeSH D009386, MONDO:0015356.

Allele frequency attached by ClinVar (database versions not stated): gnomAD exomes below 0.00001; ExAC 0.00001; ESP Exome Variant Server 0.00008.
gnomAD v4.1: 2 of 1,612,776 alleles (0.00012%); highest among the groups gnomAD compares: East Asian, 0.0022%; no homozygotes.

Submissions (3):

Labcorp Genetics (formerly Invitae), Labcorp
Classification: Uncertain significance for Ataxia-telangiectasia syndrome. Last evaluated: 2024-07-08. Review status: criteria provided, single submitter. Criteria: Invitae Variant Classification Sherloc (09022015). Collection method: clinical testing. Allele origin: germline.
Comment: This sequence change replaces arginine, which is basic and polar, with serine, which is neutral and polar, at codon 1779 of the ATM protein (p.Arg1779Ser). This variant is present in population databases (rs369351803, gnomAD 0.0009%). This variant has not been reported in the literature in individuals affected with ATM-related conditions. ClinVar contains an entry for this variant (Variation ID: 524324). Algorithms developed to predict the effect of missense changes on protein structure and function output the following: SIFT: "Not Available"; PolyPhen-2: "Benign"; Align-GVGD: "Not Available". The serine amino acid residue is found in multiple mammalian species, which suggests that this missense change does not adversely affect protein function. In summary, the available evidence is currently insufficient to determine the role of this variant in disease. Therefore, it has been classified as a Variant of Uncertain Significance.

Ambry Genetics
Classification: Uncertain significance for Hereditary cancer-predisposing syndrome. Last evaluated: 2023-01-23. Review status: criteria provided, single submitter. Criteria: Ambry Variant Classification Scheme 2023. Collection method: clinical testing. Allele origin: germline.
Comment: The p.R1779S variant (also known as c.5337A>T), located in coding exon 35 of the ATM gene, results from an A to T substitution at nucleotide position 5337. The arginine at codon 1779 is replaced by serine, an amino acid with dissimilar properties. This amino acid position is not well conserved in available vertebrate species. In addition, this alteration is predicted to be tolerated by in silico analysis. Since supporting evidence is limited at this time, the clinical significance of this alteration remains unclear.

Color Diagnostics, LLC DBA Color Health
Classification: Uncertain significance for Hereditary cancer-predisposing syndrome. Last evaluated: 2021-03-17. Review status: criteria provided, single submitter. Criteria: ACMG Guidelines, 2015. Collection method: clinical testing. Allele origin: germline.
Comment: This missense variant replaces arginine with serine at codon 1779 of the ATM protein. Computational prediction suggests that this variant may not impact protein structure and function (internally defined REVEL score threshold <= 0.5, PMID: 27666373). To our knowledge, functional studies have not been reported for this variant. This variant has not been reported in individuals affected with hereditary cancer in the literature. This variant has not been identified in the general population by the Genome Aggregation Database (gnomAD). The available evidence is insufficient to determine the role of this variant in disease conclusively. Therefore, this variant is classified as a Variant of Uncertain Significance.

NM_000051.4(ATM):c.5337A>T (p.Arg1779Ser)

Gene: ATM (ATM serine/threonine kinase; plus strand). Cytogenetic location: 11q22.3.
Variant type: single nucleotide variant.
Coding change: c.5337A>T on transcript NM_000051.4 (MANE Select); coding-DNA position 5337, A replaced by T.
Protein change: p.Arg1779Ser; replaces arginine 1779 with serine.
Molecular consequence: missense variant.
Genome position (GRCh38, 1-based): chr11:108,302,870, A>T. VCF-style: chr11-108302870-A-T. GRCh37 (hg19) VCF-style: chr11-108173597-A-T.
Other names: c.5337A>T, p.Arg1779Ser (NM_001351834.2); short protein forms R1779S.
Identifiers: ClinVar variation 524324 (VCV000524324.14), dbSNP rs369351803, ClinGen allele CA6265692.
Genomic context (GRCh38, chr11:108,302,870, plus strand): 5'-TTCCACTTCTCTTATTTACATTTTCTAATCCCTTTCTTTCTAGTTTTTAGAAGTACCCAG[A>T]TTTGACAAAGAAAACCCTTTTGAAGGCCTGGATGATATAAATCTGTGGATTCCTCTAAGT-3'
Protein context (NP_000042.3, residues 1769-1789): TSRKKFLEVP[Arg1779Ser]FDKENPFEGL